The following is an entry in ClinVar:

ClinVar aggregate classification (germline): Uncertain significance (1 of 4 stars; one submission).

Conditions:
Peroxisome biogenesis disorder 7A (Zellweger). Also called: Peroxisome biogenesis disorder 7A. Identifiers: Orphanet 912, MedGen C3888385, MONDO:0013938, OMIM 614872.
Peroxisome biogenesis disorder 7B (PBD7B). Identifiers: Orphanet 44, MedGen C3553951, MONDO:0013939, OMIM 614873.

Allele frequency attached by ClinVar (database versions not stated): gnomAD exomes below 0.00001.

Submission:

Labcorp Genetics (formerly Invitae), Labcorp
Classification: Uncertain significance for Peroxisome biogenesis disorder 7A (Zellweger); Peroxisome biogenesis disorder 7B. Last evaluated: 2021-03-10. Review status: criteria provided, single submitter. Criteria: Invitae Variant Classification Sherloc (09022015). Collection method: clinical testing. Allele origin: germline.
Comment: In summary, the available evidence is currently insufficient to determine the role of this variant in disease. Therefore, it has been classified as a Variant of Uncertain Significance. This sequence change replaces serine with proline at codon 249 of the PEX26 protein (p.Ser249Pro). The serine residue is moderately conserved and there is a moderate physicochemical difference between serine and proline. Algorithms developed to predict the effect of missense changes on protein structure and function are either unavailable or do not agree on the potential impact of this missense change (SIFT: "Tolerated"; PolyPhen-2: "Probably Damaging"; Align-GVGD: "Class C0"). This variant has not been reported in the literature in individuals with PEX26-related conditions. This variant is not present in population databases (ExAC no frequency).

NM_001127649.3(PEX26):c.745T>C (p.Ser249Pro)

Gene: PEX26 (peroxisomal biogenesis factor 26; plus strand). Cytogenetic location: 22q11.21.
Variant type: single nucleotide variant.
Coding change: c.745T>C on transcript NM_001127649.3 (MANE Select); coding-DNA position 745, T replaced by C.
Protein change: p.Ser249Pro; replaces serine 249 with proline.
Molecular consequence: missense variant. On other transcripts: intron variant (1).
Genome position (GRCh38, 1-based): chr22:18,085,189, T>C. VCF-style: chr22-18085189-T-C. GRCh37 (hg19) VCF-style: chr22-18567955-T-C.
Other names: c.745T>C, p.Ser249Pro (NM_017929.6); c.667+1457T>C (NM_001199319.2); short protein forms S249P.
Identifiers: ClinVar variation 1510185 (VCV001510185.7), dbSNP rs1926792505, ClinGen allele CA410268621.